The following is an entry in ClinVar:

ClinVar aggregate classification (germline): Uncertain significance. Review status: criteria provided, multiple submitters, no conflicts (2 of 4 stars). 3 submissions from 3 submitters: Uncertain significance (2). 1 of the submissions does not count toward it. Last evaluated 2024-04-27.

Conditions:
Autosomal dominant spastic paraplegia type 9. Identifiers: MedGen C1832669, MONDO:0015091.
Cutis laxa, autosomal dominant 3 (ADCL3). Identifiers: Orphanet 90348, MedGen C4225268, MONDO:0014706, OMIM 616603.
de Barsy syndrome. Also called: Cutis laxa-corneal clouding-oligophrenia syndrome. Identifiers: Orphanet 2962, MedGen C0268354, MONDO:0017569.
ALDH18A1-related disorder. Also called: ALDH18A1-related disorders.

Allele frequency attached by ClinVar (database versions not stated): gnomAD exomes below 0.00001 and 0.00001; gnomAD 0.00001; TOPMed 0.00001; ExAC 0.00002.
gnomAD v4.1: 7 of 1,614,098 alleles (0.00043%); highest among the groups gnomAD compares: African/African-American, 0.004%; no homozygotes.

Submissions (3):

Labcorp Genetics (formerly Invitae), Labcorp
Classification: Uncertain significance for Autosomal dominant spastic paraplegia type 9; de Barsy syndrome; Cutis laxa, autosomal dominant 3. Last evaluated: 2024-04-27. Review status: criteria provided, single submitter. Criteria: Invitae Variant Classification Sherloc (09022015). Collection method: clinical testing. Allele origin: germline.
Comment: This sequence change replaces glutamic acid, which is acidic and polar, with lysine, which is basic and polar, at codon 581 of the ALDH18A1 protein (p.Glu581Lys). This variant is present in population databases (rs777991529, gnomAD 0.008%). This missense change has been observed in individual(s) with autosomal recessive spastic paraplegia (PMID: 29754261). ClinVar contains an entry for this variant (Variation ID: 499242). Advanced modeling of protein sequence and biophysical properties (such as structural, functional, and spatial information, amino acid conservation, physicochemical variation, residue mobility, and thermodynamic stability) has been performed at Invitae for this missense variant, however the output from this modeling did not meet the statistical confidence thresholds required to predict the impact of this variant on ALDH18A1 protein function. In summary, the available evidence is currently insufficient to determine the role of this variant in disease. Therefore, it has been classified as a Variant of Uncertain Significance.

Eurofins Ntd Llc (ga)
Classification: Uncertain significance. Last evaluated: 2016-12-13. Review status: criteria provided, single submitter. Criteria: EGL Classification Definitions 2015. Collection method: clinical testing. Allele origin: germline. Observed: 2 variant alleles, 2 heterozygotes.

PreventionGenetics, part of Exact Sciences
Classification: Uncertain significance for ALDH18A1-related condition. Last evaluated: 2024-03-05. Review status: no assertion criteria provided. Collection method: clinical testing. Allele origin: germline. Not counted in ClinVar's aggregate classification.
Comment: The ALDH18A1 c.1741G>A variant is predicted to result in the amino acid substitution p.Glu581Lys. This variant was reported in the compound heterozygous state in an individual with spastic paraplegia (Steenhof et al 2018. PubMed ID: 29754261). This variant is reported in 0.0080% of alleles in individuals of African descent in gnomAD. At this time, the clinical significance of this variant is uncertain due to the absence of conclusive functional and genetic evidence.

Literature cited by the submitters: PubMed 29754261 (cited by Labcorp Genetics (formerly Invitae), Labcorp).

NM_002860.4(ALDH18A1):c.1741G>A (p.Glu581Lys)

Gene: ALDH18A1 (aldehyde dehydrogenase 18 family member A1; minus strand). Cytogenetic location: 10q24.1.
Variant type: single nucleotide variant.
Coding change: c.1741G>A on transcript NM_002860.4 (MANE Select); coding-DNA position 1741, G replaced by A.
Protein change: p.Glu581Lys; replaces glutamic acid 581 with lysine.
Molecular consequence: missense variant.
Genome position (GRCh38, 1-based): chr10:95,614,026, C>T on the plus strand (G>A on the coding strand, the complement: ALDH18A1 is on the minus strand). VCF-style: chr10-95614026-C-T. GRCh37 (hg19) VCF-style: chr10-97373783-C-T.
Other names: c.1735G>A, p.Glu579Lys (NM_001017423.2, NM_001323415.2); c.1408G>A, p.Glu470Lys (NM_001323412.2, NM_001323416.2); c.1741G>A, p.Glu581Lys (NM_001323413.2, NM_001323414.2); c.1636G>A, p.Glu546Lys (NM_001323417.2); c.1402G>A, p.Glu468Lys (NM_001323418.2); c.1105G>A, p.Glu369Lys (NM_001323419.2); c.1741G>A (NM_002860.3); short protein forms E581K, E470K, E546K, E369K, E468K, E579K.
Identifiers: ClinVar variation 499242 (VCV000499242.10), dbSNP rs777991529, ClinGen allele CA5620239.